The following is an entry in ClinVar:

NM_001042702.5(PJVK):c.407+15C>G

Gene: PJVK (pejvakin; plus strand). Cytogenetic location: 2q31.2.
Variant type: single nucleotide variant.
Coding change: c.407+15C>G on transcript NM_001042702.5 (MANE Select); 15 bases into the intron after coding-DNA position 407, C replaced by G.
Molecular consequence: intron variant.
Genome position (GRCh38, 1-based): chr2:178,454,542, C>G. VCF-style: chr2-178454542-C-G. GRCh37 (hg19) VCF-style: chr2-179319269-C-G.
Other names: c.-71+15C>G (NM_001353777.1, NM_001353778.2); c.416+15C>G (NM_001353775.2); c.512+15C>G (NM_001353776.2); c.407+15C>G (NM_001369912.1).
Identifiers: ClinVar variation 163063 (VCV000163063.7), dbSNP rs727502959, ClinGen allele CA175654.

ClinVar aggregate classification (germline): Likely benign. Review status: criteria provided, multiple submitters, no conflicts (2 of 4 stars). 2 submissions from 2 submitters: Likely benign (2). Last evaluated 2024-03-14.

Allele frequency attached by ClinVar (database versions not stated): gnomAD 0.00001; TOPMed 0.00003; ExAC 0.00013.
gnomAD v4.1: 31 of 1,607,052 alleles (0.0019%); highest among the groups gnomAD compares: East Asian, 0.065%; no homozygotes.

Submissions (2):

Labcorp Genetics (formerly Invitae), Labcorp
Classification: Likely benign. Last evaluated: 2024-03-14. Review status: criteria provided, single submitter. Criteria: Invitae Variant Classification Sherloc (09022015). Collection method: clinical testing. Allele origin: germline.

Laboratory for Molecular Medicine, Mass General Brigham Personalized Medicine
Classification: Likely benign. Last evaluated: 2013-07-05. Review status: criteria provided, single submitter. Criteria: LMM Criteria. Collection method: clinical testing. Allele origin: germline. Observed: 1 variant allele.
Comment: 407+15C>G in Intron 3 of DFNB59: This variant is not expected to have clinical s ignificance because it is not located within the splice consensus sequence.